The following is an entry in ClinVar:

ClinVar aggregate classification (germline): Uncertain significance (1 of 4 stars; one submission).

gnomAD v4.1: 1 of 1,613,874 alleles (0.000062%); no homozygotes.

Submission:

GeneDx
Classification: Uncertain significance. Last evaluated: 2022-07-29. Review status: criteria provided, single submitter. Criteria: GeneDx Variant Classification Process June 2021. Collection method: clinical testing. Allele origin: germline. Affected: yes.
Comment: Not observed at significant frequency in large population cohorts (Lek 2006).; In silico analysis supports that this missense variant does not alter protein structure/function; Has not been previously published as pathogenic or benign to our knowledge

NM_001257293.2(HNRNPH1):c.184G>C (p.Glu62Gln)

Genes: HNRNPH1 (heterogeneous nuclear ribonucleoprotein H1; minus strand), LOC128966623 (uncharacterized protein C5orf60; plus strand). Cytogenetic location: 5q35.3.
Variant type: single nucleotide variant.
Coding change: c.184G>C on transcript NM_001257293.2 (MANE Select); coding-DNA position 184, G replaced by C.
Protein change: p.Glu62Gln; replaces glutamic acid 62 with glutamine.
Molecular consequence: missense variant. On other transcripts: 5 prime UTR variant (8), intron variant (1).
Genome position (GRCh38, 1-based): chr5:179,621,311, C>G on the plus strand (G>C on the coding strand, the complement: HNRNPH1 is on the minus strand). VCF-style: chr5-179621311-C-G. GRCh37 (hg19) VCF-style: chr5-179048312-C-G.
Other names: c.184G>C, p.Glu62Gln (NM_001363572.2, NM_001364225.2, NM_001364226.2 and 39 more transcripts); c.-281G>C (NM_001364251.2, NM_001364252.2, NM_001364253.2 and 4 more transcripts); c.-48G>C (NM_001395190.1); c.98-276G>C (NM_001364250.2); short protein forms E62Q.
Identifiers: ClinVar variation 1700507 (VCV001700507.2), dbSNP rs2127675169, ClinGen allele CA362440267.